The following is an entry in ClinVar:

ClinVar aggregate classification (germline): Uncertain significance. Review status: criteria provided, multiple submitters, no conflicts (2 of 4 stars). 3 submissions from 3 submitters: Uncertain significance (3). Last evaluated 2026-01-31.

Conditions:
Hereditary cancer-predisposing syndrome. Also called: Neoplastic Syndromes, Hereditary; Tumor predisposition; Hereditary neoplastic syndrome; Hereditary Cancer Syndrome. Identifiers: Orphanet 140162, MedGen C0027672, MeSH D009386, MONDO:0015356.

Allele frequency attached by ClinVar (database versions not stated): gnomAD exomes 0.00001.
gnomAD v4.1: 6 of 1,613,288 alleles (0.00037%); highest among the groups gnomAD compares: Admixed American, 0.0083%; no homozygotes.

Submissions (3):

Labcorp Genetics (formerly Invitae), Labcorp
Classification: Uncertain significance. Last evaluated: 2026-01-31. Review status: criteria provided, single submitter. Criteria: Invitae Variant Classification Sherloc (09022015). Collection method: clinical testing. Allele origin: germline.
Comment: This sequence change replaces valine, which is neutral and non-polar, with methionine, which is neutral and non-polar, at codon 110 of the NTHL1 protein (p.Val110Met). This variant is present in population databases (no rsID available, gnomAD 0.006%). This variant has not been reported in the literature in individuals affected with NTHL1-related conditions. ClinVar contains an entry for this variant (Variation ID: 840040). An algorithm developed to predict the effect of missense changes on protein structure and function (PolyPhen-2) suggests that this variant is likely to be disruptive. In summary, the available evidence is currently insufficient to determine the role of this variant in disease. Therefore, it has been classified as a Variant of Uncertain Significance.

Ambry Genetics
Classification: Uncertain significance for Hereditary cancer-predisposing syndrome. Last evaluated: 2024-07-27. Review status: criteria provided, single submitter. Criteria: Ambry Variant Classification Scheme 2023. Collection method: clinical testing. Allele origin: germline.
Comment: The p.V110M variant (also known as c.328G>A), located in coding exon 2 of the NTHL1 gene, results from a G to A substitution at nucleotide position 328. The valine at codon 110 is replaced by methionine, an amino acid with highly similar properties. This amino acid position is highly conserved in available vertebrate species. In addition, this alteration is predicted to be deleterious by in silico analysis. Since supporting evidence is limited at this time, the clinical significance of this alteration remains unclear.

Sema4
Classification: Uncertain significance for Hereditary cancer-predisposing syndrome. Last evaluated: 2021-08-09. Review status: criteria provided, single submitter. Criteria: Sema4 Curation Guidelines. Collection method: curation. Allele origin: germline.
Comment: The NTHL1 c.328G>A (p.V110M) variant has not been reported in the literature to our knowledge. This variant was observed in 2/34586 chromosomes in the Latino population according to the Genome Aggregation Database (PMID: 32461654). This variant has been reported in ClinVar (Variation ID: 840040). In silico tools suggest the impact of the variant on protein function is deleterious, though these predictions have not been confirmed by functional studies. The evidence is insufficient to meet ACMG/AMP criteria for classifying the variant as benign or pathogenic. Thus, the clinical significance of this variant is currently uncertain.

NM_002528.7(NTHL1):c.304G>A (p.Val102Met)

Gene: NTHL1 (nth like DNA glycosylase 1; minus strand). Cytogenetic location: 16p13.3.
Variant type: single nucleotide variant.
Coding change: c.304G>A on transcript NM_002528.7 (MANE Select); coding-DNA position 304, G replaced by A.
Protein change: p.Val102Met; replaces valine 102 with methionine.
Molecular consequence: missense variant. On other transcripts: intron variant (1).
Genome position (GRCh38, 1-based): chr16:2,046,178, C>T on the plus strand (G>A on the coding strand, the complement: NTHL1 is on the minus strand). VCF-style: chr16-2046178-C-T. GRCh37 (hg19) VCF-style: chr16-2096179-C-T.
Other names: c.304G>A, p.Val102Met (NM_001318193.2); c.24+102G>A (NM_001318194.2); short protein forms V102M.
Identifiers: ClinVar variation 840040 (VCV000840040.12), dbSNP rs1333635641, ClinGen allele CA394295499.